The following is an entry in ClinVar:

NM_005751.5(AKAP9):c.7628T>C (p.Leu2543Pro)

Gene: AKAP9 (A-kinase anchoring protein 9; plus strand). Cytogenetic location: 7q21.2.
Variant type: single nucleotide variant.
Coding change: c.7628T>C on transcript NM_005751.5 (MANE Select); coding-DNA position 7628, T replaced by C.
Protein change: p.Leu2543Pro; replaces leucine 2543 with proline.
Molecular consequence: missense variant.
Genome position (GRCh38, 1-based): chr7:92,079,761, T>C. VCF-style: chr7-92079761-T-C. GRCh37 (hg19) VCF-style: chr7-91709075-T-C.
Other names: c.2273T>C, p.Leu758Pro (NM_001379277.1); c.7604T>C, p.Leu2535Pro (NM_147185.3); short protein forms L2543P, L2535P, L758P.
Identifiers: ClinVar variation 263437 (VCV000263437.11), dbSNP rs373320584, ClinGen allele CA4337318.

ClinVar aggregate classification (germline): Conflicting classifications of pathogenicity. Review status: criteria provided, conflicting classifications (1 of 4 stars). 4 submissions from 4 submitters: Uncertain significance (3); Likely benign (1). Last evaluated 2025-12-17.

Conditions:
Cardiovascular phenotype. Identifiers: MedGen CN230736.
Long QT syndrome (LQTS). Identifiers: MedGen C0023976, MeSH D008133, MONDO:0002442. Disease mechanism: loss of function. Inheritance: Various modes of inheritance.
Long QT syndrome 11 (LQT11). Identifiers: Orphanet 101016, Orphanet 768, MedGen C2678483, MONDO:0012738, OMIM 611820.

Allele frequency attached by ClinVar (database versions not stated): ExAC 0.00002; ESP Exome Variant Server 0.00008; gnomAD exomes 0.00008; TOPMed 0.00010; gnomAD 0.00011.
gnomAD v4.1: 129 of 1,613,954 alleles (0.008%); highest among the groups gnomAD compares: Admixed American, 0.015%; no homozygotes.

Submissions (4):

Labcorp Genetics (formerly Invitae), Labcorp
Classification: Uncertain significance for Long QT syndrome. Last evaluated: 2025-12-17. Review status: criteria provided, single submitter. Criteria: Invitae Variant Classification Sherloc (09022015). Collection method: clinical testing. Allele origin: germline.
Comment: This sequence change replaces leucine, which is neutral and non-polar, with proline, which is neutral and non-polar, at codon 2543 of the AKAP9 protein (p.Leu2543Pro). This variant is present in population databases (rs373320584, gnomAD 0.03%). This missense change has been observed in individual(s) with Brugada syndrome (PMID: 38426305). ClinVar contains an entry for this variant (Variation ID: 263437). An algorithm developed to predict the effect of missense changes on protein structure and function (PolyPhen-2) suggests that this variant is likely to be disruptive. In summary, the available evidence is currently insufficient to determine the role of this variant in disease. Therefore, it has been classified as a Variant of Uncertain Significance.

Blueprint Genetics
Classification: Uncertain significance. Last evaluated: 2024-02-21. Review status: criteria provided, single submitter. Criteria: ACMG Guidelines, 2015. Collection method: clinical testing. Allele origin: germline.

Ambry Genetics
Classification: Likely benign for Cardiovascular phenotype. Last evaluated: 2023-09-07. Review status: criteria provided, single submitter. Criteria: Ambry Variant Classification Scheme 2023. Collection method: clinical testing. Allele origin: germline.

Fulgent Genetics
Classification: Uncertain significance for Long QT syndrome 11. Last evaluated: 2021-08-11. Review status: criteria provided, single submitter. Criteria: ACMG Guidelines, 2015. Collection method: clinical testing. Allele origin: unknown.

Literature cited by the submitters: PubMed 38426305 (cited by Labcorp Genetics (formerly Invitae), Labcorp).